The following is an entry in ClinVar:

NM_153252.5(BRWD3):c.488C>A (p.Pro163His)

Gene: BRWD3 (bromodomain and WD repeat domain containing 3; minus strand). Cytogenetic location: Xq21.1.
Variant type: single nucleotide variant.
Coding change: c.488C>A on transcript NM_153252.5 (MANE Select); coding-DNA position 488, C replaced by A.
Protein change: p.Pro163His; replaces proline 163 with histidine.
Molecular consequence: missense variant.
Genome position (GRCh38, 1-based): chrX:80,745,672, G>T on the plus strand (C>A on the coding strand, the complement: BRWD3 is on the minus strand). VCF-style: chrX-80745672-G-T. GRCh37 (hg19) VCF-style: chrX-80001171-G-T.
Other names: c.488C>A, p.Pro163His (NM_001441339.1); short protein forms P163H.
Identifiers: ClinVar variation 4856409 (VCV004856409.1).
Genomic context (GRCh38, chrX:80,745,672, plus strand): 5'-ACAGATGACAAGTGCCCCAGAATTCTCTTATGCATCTTAATGTGCTGGTAAGCAGATGAA[G>T]GGAAAATATGACCAAAGCGACTACAGCCGGTTAATTGCCTGGCAGAGGTGATATTCACTG-3'
Protein context (NP_694984.5, residues 153-173): TGCSRFGHIF[Pro163His]SSAYQHIKMH

ClinVar aggregate classification (germline): Likely pathogenic (1 of 4 stars; one submission).

Conditions:
Intellectual developmental disorder, X-linked 93. Also called: MENTAL RETARDATION, X-LINKED, WITH MACROCEPHALY; Intellectual disability, X-linked 93. Identifiers: MedGen C1970841, MONDO:0010393, OMIM 300659.

Submission:

Gansu Provincial Maternity and Child Care Hospital
Classification: Likely pathogenic for Intellectual developmental disorder, X-linked 93. Last evaluated: 2026-06-02. Review status: criteria provided, single submitter. Criteria: ACMG Guidelines, 2015. Collection method: clinical testing. Allele origin: de novo. Inheritance: X-linked recessive inheritance. Affected: yes.
Comment: The c.488C>A variant is a missense variant. Parental verification confirmed it as a de novo variant (PS2). This site is not recorded in the gnomAD database (PM2_supporting).Multiple in silico tools predicted a deleterious effect (PP3).This variant is classified as Likely pathogenic.